The following is an entry in ClinVar:

NM_003673.4(TCAP):c.32C>G (p.Ser11Trp)

Gene: TCAP (titin-cap; plus strand). Cytogenetic location: 17q12.
Variant type: single nucleotide variant.
Coding change: c.32C>G on transcript NM_003673.4 (MANE Select); coding-DNA position 32, C replaced by G.
Protein change: p.Ser11Trp; replaces serine 11 with tryptophan.
Molecular consequence: missense variant.
Genome position (GRCh38, 1-based): chr17:39,665,391, C>G. VCF-style: chr17-39665391-C-G. GRCh37 (hg19) VCF-style: chr17-37821644-C-G.
Other names: short protein forms S11W.
Identifiers: ClinVar variation 3453992 (VCV003453992.3).

ClinVar aggregate classification (germline): Uncertain significance. Review status: criteria provided, multiple submitters, no conflicts (2 of 4 stars). 2 submissions from 2 submitters: Uncertain significance (2). Last evaluated 2025-01-27.

Conditions:
Cardiovascular phenotype. Identifiers: MedGen CN230736.
Hypertrophic cardiomyopathy 25 (CMH25). Also called: CARDIOMYOPATHY, FAMILIAL HYPERTROPHIC, 25. Identifiers: MedGen C4225408, MONDO:0011843, OMIM 607487.
Primary familial hypertrophic cardiomyopathy (HCM). Identifiers: Orphanet 99739, MedGen C0949658, MeSH D024741, MONDO:0024573. Inheritance: Various modes of inheritance.

Submissions (2):

Labcorp Genetics (formerly Invitae), Labcorp
Classification: Uncertain significance for Hypertrophic cardiomyopathy 25; Primary familial hypertrophic cardiomyopathy. Last evaluated: 2025-01-27. Review status: criteria provided, single submitter. Criteria: Invitae Variant Classification Sherloc (09022015). Collection method: clinical testing. Allele origin: germline.
Comment: This sequence change replaces serine, which is neutral and polar, with tryptophan, which is neutral and slightly polar, at codon 11 of the TCAP protein (p.Ser11Trp). This variant is present in population databases (rs45495192, gnomAD 0.007%). This variant has not been reported in the literature in individuals affected with TCAP-related conditions. ClinVar contains an entry for this variant (Variation ID: 3453992). An algorithm developed to predict the effect of missense changes on protein structure and function (PolyPhen-2) suggests that this variant is likely to be disruptive. Algorithms developed to predict the effect of sequence changes on RNA splicing suggest that this variant may disrupt the consensus splice site. In summary, the available evidence is currently insufficient to determine the role of this variant in disease. Therefore, it has been classified as a Variant of Uncertain Significance.

Ambry Genetics
Classification: Uncertain significance for Cardiovascular phenotype. Last evaluated: 2024-09-03. Review status: criteria provided, single submitter. Criteria: Ambry Variant Classification Scheme 2023. Collection method: clinical testing. Allele origin: germline.
Comment: The p.S11W variant (also known as c.32C>G), located in coding exon 1 of the TCAP gene, results from a C to G substitution at nucleotide position 32. The serine at codon 11 is replaced by tryptophan, an amino acid with highly dissimilar properties. This amino acid position is not well conserved in available vertebrate species. In addition, the in silico prediction for this alteration is inconclusive. Based on the available evidence, the clinical significance of this variant remains unclear.